The following is an entry in ClinVar:

ClinVar aggregate classification (germline): Conflicting classifications of pathogenicity. Review status: criteria provided, conflicting classifications (1 of 4 stars). 4 submissions from 4 submitters: Uncertain significance (3); Likely benign (1). Last evaluated 2024-08-13.

Conditions:
Cardiovascular phenotype. Identifiers: MedGen CN230736.
Long QT syndrome (LQTS). Identifiers: MedGen C0023976, MeSH D008133, MONDO:0002442. Disease mechanism: loss of function. Inheritance: Various modes of inheritance.
Cardiac arrhythmia, ankyrin-B-related. Also called: ANKYRIN-B SYNDROME. Identifiers: Orphanet 101016, Orphanet 768, MedGen C1970119, MONDO:0010958, OMIM 600919.

Allele frequency attached by ClinVar (database versions not stated): gnomAD 0.00001; TOPMed 0.00001; ExAC 0.00002; gnomAD exomes 0.00002.
gnomAD v4.1: 37 of 1,613,814 alleles (0.0023%); highest among the groups gnomAD compares: Middle Eastern, 0.033%; no homozygotes.

Submissions (4):

GeneDx
Classification: Uncertain significance. Last evaluated: 2024-08-13. Review status: criteria provided, single submitter. Criteria: GeneDx Variant Classification Process June 2021. Collection method: clinical testing. Allele origin: germline. Affected: yes.
Comment: Not observed at significant frequency in large population cohorts (gnomAD); In silico analysis indicates that this missense variant does not alter protein structure/function; Has not been previously published as pathogenic or benign to our knowledge

Labcorp Genetics (formerly Invitae), Labcorp
Classification: Uncertain significance for Long QT syndrome. Last evaluated: 2024-06-21. Review status: criteria provided, single submitter. Criteria: Invitae Variant Classification Sherloc (09022015). Collection method: clinical testing. Allele origin: germline.
Comment: This sequence change replaces threonine, which is neutral and polar, with methionine, which is neutral and non-polar, at codon 2281 of the ANK2 protein (p.Thr2281Met). This variant is present in population databases (rs757584252, gnomAD 0.01%). This variant has not been reported in the literature in individuals affected with ANK2-related conditions. ClinVar contains an entry for this variant (Variation ID: 647308). Algorithms developed to predict the effect of missense changes on protein structure and function output the following: SIFT: "Not Available"; PolyPhen-2: "Benign"; Align-GVGD: "Not Available". The methionine amino acid residue is found in multiple mammalian species, which suggests that this missense change does not adversely affect protein function. In summary, the available evidence is currently insufficient to determine the role of this variant in disease. Therefore, it has been classified as a Variant of Uncertain Significance.

Ambry Genetics
Classification: Likely benign for Cardiovascular phenotype. Last evaluated: 2020-12-08. Review status: criteria provided, single submitter. Criteria: Ambry Variant Classification Scheme 2023. Collection method: clinical testing. Allele origin: germline.

Illumina Laboratory Services, Illumina
Classification: Uncertain significance for Cardiac arrhythmia, ankyrin-B-related. Last evaluated: 2018-03-30. Review status: criteria provided, single submitter. Criteria: ICSL Variant Classification Criteria 13 December 2019. Collection method: clinical testing. Allele origin: germline.

NM_001148.6(ANK2):c.6842C>T (p.Thr2281Met)

Genes: ANK2 (ankyrin 2; plus strand), LOC126807137 (CDK7 strongly-dependent group 2 enhancer GRCh37_chr4:114276560-114277759; plus strand). Cytogenetic location: 4q26.
Variant type: single nucleotide variant.
Coding change: c.6842C>T on transcript NM_001148.6 (MANE Select); coding-DNA position 6842, C replaced by T.
Protein change: p.Thr2281Met; replaces threonine 2281 with methionine.
Molecular consequence: missense variant. On other transcripts: intron variant (68).
Genome position (GRCh38, 1-based): chr4:113,355,460, C>T. VCF-style: chr4-113355460-C-T. GRCh37 (hg19) VCF-style: chr4-114276616-C-T.
Other names: c.6608C>T, p.Thr2203Met (NM_001386142.1); c.3242C>T, p.Thr1081Met (NM_001386166.1); c.6983C>T, p.Thr2328Met (NM_001386174.1); c.6959C>T, p.Thr2320Met (NM_001386175.1); c.4411+5211C>T (NM_001386186.2, NM_001386148.2); c.4213+5211C>T (NM_001354269.3); c.4291+5211C>T (NM_001386187.2); c.4252+5211C>T (NM_001386147.1); and 35 more; short protein forms T2281M, T1081M, T2203M, T2320M, T2328M.
Identifiers: ClinVar variation 647308 (VCV000647308.11), dbSNP rs757584252, ClinGen allele CA3051483.